The following is an entry in ClinVar:

NM_017491.5(WDR1):c.42G>T (p.Gln14His)

Gene: WDR1 (WD repeat domain 1; minus strand). Cytogenetic location: 4p16.1.
Variant type: single nucleotide variant.
Coding change: c.42G>T on transcript NM_017491.5 (MANE Select); coding-DNA position 42, G replaced by T.
Protein change: p.Gln14His; replaces glutamine 14 with histidine.
Molecular consequence: missense variant.
Genome position (GRCh38, 1-based): chr4:10,116,209, C>A on the plus strand (G>T on the coding strand, the complement: WDR1 is on the minus strand). VCF-style: chr4-10116209-C-A. GRCh37 (hg19) VCF-style: chr4-10117833-C-A.
Other names: c.42G>T, p.Gln14His (NM_005112.5); short protein forms Q14H.
Identifiers: ClinVar variation 1353670 (VCV001353670.4), dbSNP rs1713712912, ClinGen allele CA356366127.

ClinVar aggregate classification (germline): Uncertain significance (1 of 4 stars; one submission).

Allele frequency attached by ClinVar (database versions not stated): TOPMed below 0.00001.

Submission:

Labcorp Genetics (formerly Invitae), Labcorp
Classification: Uncertain significance. Last evaluated: 2023-07-17. Review status: criteria provided, single submitter. Criteria: Invitae Variant Classification Sherloc (09022015). Collection method: clinical testing. Allele origin: germline.
Comment: This variant is not present in population databases (gnomAD no frequency). This sequence change replaces glutamine, which is neutral and polar, with histidine, which is basic and polar, at codon 14 of the WDR1 protein (p.Gln14His). This variant has not been reported in the literature in individuals affected with WDR1-related conditions. ClinVar contains an entry for this variant (Variation ID: 1353670). An algorithm developed to predict the effect of missense changes on protein structure and function (PolyPhen-2) suggests that this variant¬†is likely to be tolerated. In summary, the available evidence is currently insufficient to determine the role of this variant in disease. Therefore, it has been classified as a Variant of Uncertain Significance.